The following is an entry in ClinVar:

ClinVar aggregate classification (germline): Uncertain significance (1 of 4 stars; one submission).

Submission:

GeneDx
Classification: Uncertain significance. Last evaluated: 2024-12-21. Review status: criteria provided, single submitter. Criteria: GeneDx Variant Classification Process June 2021. Collection method: clinical testing. Allele origin: germline. Affected: yes.
Comment: Not observed at significant frequency in large population cohorts (gnomAD); In silico analysis supports that this missense variant has a deleterious effect on protein structure/function; Has not been previously published as pathogenic or benign to our knowledge

NM_001999.4(FBN2):c.4215G>T (p.Lys1405Asn)

Gene: FBN2 (fibrillin 2; minus strand). Cytogenetic location: 5q23.3.
Variant type: single nucleotide variant.
Coding change: c.4215G>T on transcript NM_001999.4 (MANE Select); coding-DNA position 4215, G replaced by T.
Protein change: p.Lys1405Asn; replaces lysine 1405 with asparagine.
Molecular consequence: missense variant.
Genome position (GRCh38, 1-based): chr5:128,332,919, C>A on the plus strand (G>T on the coding strand, the complement: FBN2 is on the minus strand). VCF-style: chr5-128332919-C-A. GRCh37 (hg19) VCF-style: chr5-127668611-C-A.
Other names: short protein forms K1405N.
Identifiers: ClinVar variation 3906404 (VCV003906404.1).